The following is an entry in ClinVar:

NM_006059.4(LAMC3):c.1263G>A (p.Ser421=)

Gene: LAMC3 (laminin subunit gamma 3; plus strand). Cytogenetic location: 9q34.12.
Variant type: single nucleotide variant.
Coding change: c.1263G>A on transcript NM_006059.4 (MANE Select); coding-DNA position 1263, G replaced by A.
Protein change: p.Ser421=; no amino-acid change (serine 421 retained).
Molecular consequence: synonymous variant.
Genome position (GRCh38, 1-based): chr9:131,039,228, G>A. VCF-style: chr9-131039228-G-A. GRCh37 (hg19) VCF-style: chr9-133914615-G-A.
Other names: c.1263G>A (NM_006059.3).
Identifiers: ClinVar variation 1626355 (VCV001626355.10), dbSNP rs776256346, ClinGen allele CA5287004.

ClinVar aggregate classification (germline): Likely benign. Review status: criteria provided, single submitter (1 of 4 stars). 2 submissions from 2 submitters: Likely benign (1). 1 of the submissions does not count toward it. Last evaluated 2025-12-13.

Conditions:
LAMC3-related disorder. Also called: LAMC3-related condition.

Allele frequency attached by ClinVar (database versions not stated): gnomAD 0.00002; TOPMed 0.00002; gnomAD exomes 0.00003 and 0.00007; ExAC 0.00007.
gnomAD v4.1: 52 of 1,605,688 alleles (0.0032%); highest among the groups gnomAD compares: Middle Eastern, 0.049%; no homozygotes.

Submissions (2):

Labcorp Genetics (formerly Invitae), Labcorp
Classification: Likely benign. Last evaluated: 2025-12-13. Review status: criteria provided, single submitter. Criteria: Invitae Variant Classification Sherloc (09022015). Collection method: clinical testing. Allele origin: germline.

PreventionGenetics, part of Exact Sciences
Classification: Likely benign for LAMC3-related condition. Last evaluated: 2019-04-08. Review status: no assertion criteria provided. Collection method: clinical testing. Allele origin: germline. Not counted in ClinVar's aggregate classification.
Comment: This variant is classified as likely benign based on ACMG/AMP sequence variant interpretation guidelines (Richards et al. 2015 PMID: 25741868, with internal and published modifications).